The following is an entry in ClinVar:

ClinVar aggregate classification (germline): Uncertain significance (1 of 4 stars; one submission).

Conditions:
Hereditary cancer-predisposing syndrome. Also called: Hereditary Cancer Syndrome; Hereditary neoplastic syndrome; Tumor predisposition; Neoplastic Syndromes, Hereditary. Identifiers: Orphanet 140162, MedGen C0027672, MeSH D009386, MONDO:0015356.

Submission:

Ambry Genetics
Classification: Uncertain significance for Hereditary cancer-predisposing syndrome. Last evaluated: 2019-01-08. Review status: criteria provided, single submitter. Criteria: Ambry Variant Classification Scheme 2023. Collection method: clinical testing. Allele origin: germline.
Comment: The p.H833R variant (also known as c.2498A>G), located in coding exon 15 of the PMS2 gene, results from an A to G substitution at nucleotide position 2498. The histidine at codon 833 is replaced by arginine, an amino acid with highly similar properties. This amino acid position is highly conserved in available vertebrate species. In addition, the in silico prediction for this alteration is inconclusive. Since supporting evidence is limited at this time, the clinical significance of this alteration remains unclear.

NM_000535.7(PMS2):c.2498A>G (p.His833Arg)

Gene: PMS2 (PMS1 homolog 2, mismatch repair system component; minus strand). Cytogenetic location: 7p22.1.
Variant type: single nucleotide variant.
Coding change: c.2498A>G on transcript NM_000535.7 (MANE Select); coding-DNA position 2498, A replaced by G.
Protein change: p.His833Arg; replaces histidine 833 with arginine.
Molecular consequence: missense variant. On other transcripts: non-coding transcript variant (1).
Genome position (GRCh38, 1-based): chr7:5,973,490, T>C on the plus strand (A>G on the coding strand, the complement: PMS2 is on the minus strand). VCF-style: chr7-5973490-T-C. GRCh37 (hg19) VCF-style: chr7-6013121-T-C.
Other names: c.2093A>G, p.His698Arg (NM_001018040.1, NM_001322003.2, NM_001322004.2 and 12 more transcripts); c.2342A>G, p.His781Arg (NM_001322006.2); c.2180A>G, p.His727Arg (NM_001322007.2, NM_001322008.2, NM_001406883.1); c.2126A>G, p.His709Arg (NM_001322009.2, NM_001406887.1, NM_001406888.1); c.1937A>G, p.His646Arg (NM_001322010.2, NM_001406906.1, NM_001406907.1); c.1565A>G, p.His522Arg (NM_001322011.2, NM_001322012.2); c.1925A>G, p.His642Arg (NM_001322013.2, NM_001406908.1, NM_001406909.1); c.2531A>G, p.His844Arg (NM_001322014.2); and 20 more; short protein forms H711R, H725R, H727R, H730R, H738R, H741R, H781R, H432R.
Identifiers: ClinVar variation 1792147 (VCV001792147.2), dbSNP rs2535193426, ClinGen allele CA366734932.
Genomic context (GRCh38, chr7:5,973,490, plus strand): 5'-ATGTGTCTCATGGTTGGCCTTCCATGGGGACAGTTCCAGGGGTGGTCCATCTCCCCCATG[T>C]GGGTGATCAGTTTCTTCATCTCGCTTGTGTTAAGAGCAGTCCCAATCATCACCTGAGTGT-3'
Protein context (NP_000526.2, residues 823-843): NTSEMKKLIT[His833Arg]MGEMDHPWNC